The following is an entry in ClinVar:

NM_015450.3(POT1):c.1412A>C (p.Asn471Thr)

Gene: POT1 (protection of telomeres 1; minus strand). Cytogenetic location: 7q31.33.
Variant type: single nucleotide variant.
Coding change: c.1412A>C on transcript NM_015450.3 (MANE Select); coding-DNA position 1412, A replaced by C.
Protein change: p.Asn471Thr; replaces asparagine 471 with threonine.
Molecular consequence: missense variant. On other transcripts: non-coding transcript variant (3).
Genome position (GRCh38, 1-based): chr7:124,835,372, T>G on the plus strand (A>C on the coding strand, the complement: POT1 is on the minus strand). VCF-style: chr7-124835372-T-G. GRCh37 (hg19) VCF-style: chr7-124475426-T-G.
Other names: c.1019A>C, p.Asn340Thr (NM_001042594.2); short protein forms N340T, N471T.
Identifiers: ClinVar variation 4862377 (VCV004862377.1).

ClinVar aggregate classification (germline): Uncertain significance (1 of 4 stars; one submission).

Conditions:
Hereditary cancer-predisposing syndrome. Also called: Neoplastic Syndromes, Hereditary; Tumor predisposition; Hereditary Cancer Syndrome; Hereditary neoplastic syndrome. Identifiers: Orphanet 140162, MedGen C0027672, MeSH D009386, MONDO:0015356.

Submission:

Ambry Genetics
Classification: Uncertain significance for Hereditary cancer-predisposing syndrome. Last evaluated: 2026-03-16. Review status: criteria provided, single submitter. Criteria: Ambry Variant Classification Scheme 2023. Collection method: clinical testing. Allele origin: germline.
Comment: The p.N471T variant (also known as c.1412A>C), located in coding exon 11 of the POT1 gene, results from an A to C substitution at nucleotide position 1412. The asparagine at codon 471 is replaced by threonine, an amino acid with similar properties. This amino acid position is conserved. In addition, this alteration is predicted to be tolerated by in silico analysis. Based on the available evidence, the clinical significance of this variant remains unclear.